The following is an entry in ClinVar:

NM_000428.3(LTBP2):c.1781C>T (p.Pro594Leu)

Gene: LTBP2 (latent transforming growth factor beta binding protein 2; minus strand). Cytogenetic location: 14q24.3.
Variant type: single nucleotide variant.
Coding change: c.1781C>T on transcript NM_000428.3 (MANE Select); coding-DNA position 1781, C replaced by T.
Protein change: p.Pro594Leu; replaces proline 594 with leucine.
Molecular consequence: missense variant.
Genome position (GRCh38, 1-based): chr14:74,549,871, G>A on the plus strand (C>T on the coding strand, the complement: LTBP2 is on the minus strand). VCF-style: chr14-74549871-G-A. GRCh37 (hg19) VCF-style: chr14-75016574-G-A.
Other names: short protein forms P594L.
Identifiers: ClinVar variation 2063420 (VCV002063420.1), dbSNP rs753863945, ClinGen allele CA7269779.

ClinVar aggregate classification (germline): Uncertain significance (1 of 4 stars; one submission).

Allele frequency attached by ClinVar (database versions not stated): gnomAD 0.00001; gnomAD exomes 0.00001; ExAC 0.00002.
gnomAD v4.1: 8 of 1,613,680 alleles (0.0005%); highest among the groups gnomAD compares: Middle Eastern, 0.033%; no homozygotes.

Submission:

Labcorp Genetics (formerly Invitae), Labcorp
Classification: Uncertain significance. Last evaluated: 2022-06-29. Review status: criteria provided, single submitter. Criteria: Invitae Variant Classification Sherloc (09022015). Collection method: clinical testing. Allele origin: germline.
Comment: This sequence change replaces proline, which is neutral and non-polar, with leucine, which is neutral and non-polar, at codon 594 of the LTBP2 protein (p.Pro594Leu). The frequency data for this variant in the population databases is considered unreliable, as metrics indicate poor data quality at this position in the gnomAD database. This variant has not been reported in the literature in individuals affected with LTBP2-related conditions. Algorithms developed to predict the effect of missense changes on protein structure and function are either unavailable or do not agree on the potential impact of this missense change (SIFT: "Deleterious"; PolyPhen-2: "Possibly Damaging"; Align-GVGD: "Class C0"). In summary, the available evidence is currently insufficient to determine the role of this variant in disease. Therefore, it has been classified as a Variant of Uncertain Significance.